The following is an entry in ClinVar:

ClinVar aggregate classification (germline): Pathogenic/Likely pathogenic. Review status: criteria provided, multiple submitters, no conflicts (2 of 4 stars). 4 submissions from 4 submitters: Pathogenic (2); Likely pathogenic (1). 1 of the submissions does not count toward it. Last evaluated 2023-09-05.

Conditions:
Fetal akinesia deformation sequence 1 (FADS1). Also called: Pena-Shokeir syndrome type I; Fetal akinesia sequence. Identifiers: Orphanet 994, MedGen C1276035, MONDO:0100101, OMIM 208150, HP:0001989.
Congenital myasthenic syndrome 11. Also called: MYASTHENIC SYNDROME, CONGENITAL, Ie; Myasthenic syndrome, congenital, 11, associated with acetylcholine receptor deficiency. Identifiers: Orphanet 590, MedGen C4225367, MONDO:0014588, OMIM 616326.
Fetal akinesia deformation sequence 2. Identifiers: MedGen C4760576, MONDO:0100102, OMIM 618388.
Congenital myasthenic syndrome (CMS). Also called: Congenital Myasthenic Syndromes. Identifiers: Orphanet 590, MedGen C0751882, MeSH D020294, MONDO:0018940.

Allele frequency attached by ClinVar (database versions not stated): TOPMed below 0.00001.

Submissions (4):

Women's Health and Genetics/Laboratory Corporation of America, LabCorp
Classification: Likely pathogenic for Congenital myasthenic syndrome. Last evaluated: 2023-09-05. Review status: criteria provided, single submitter. Criteria: LabCorp Variant Classification Summary - May 2015. Collection method: clinical testing. Allele origin: germline.
Comment: Variant summary: RAPSN c.-199C>G (also known as -27C>G) is located in the untranslated mRNA region upstream of the initiation codon. The variant was absent in 31408 control chromosomes (gnomAD). c.-199C>G has been reported as a biallelic genotype in the literature in individuals affected with Congenital Myasthenic Syndrome (Ohno_2003, Milone_2009). These data indicate that the variant may be associated with disease. A luciferase reporter assay showed that the variant reduces transcriptional activity (Ohno_2003). The following publications have been ascertained in the context of this evaluation (PMID: 12651869, 19620612). One ClinVar submitter has assessed the variant since 2014, and classified the variant as pathogenic. Based on the evidence outlined above, the variant was classified as likely pathogenic.

Baylor Genetics
Classification: Pathogenic for Fetal akinesia deformation sequence 2. Last evaluated: 2023-08-24. Review status: criteria provided, single submitter. Criteria: ACMG Guidelines, 2015. Collection method: clinical testing. Allele origin: unknown.

Labcorp Genetics (formerly Invitae), Labcorp
Classification: Pathogenic for Congenital myasthenic syndrome 11; Fetal akinesia deformation sequence 1. Last evaluated: 2023-08-08. Review status: criteria provided, single submitter. Criteria: Invitae Variant Classification Sherloc (09022015). Collection method: clinical testing. Allele origin: germline.
Comment: This variant is not present in population databases (gnomAD no frequency). This variant occurs in a non-coding region of the RAPSN gene. It does not change the encoded amino acid sequence of the RAPSN protein. This variant has been observed in individual(s) with congenital myasthenic syndrome (PMID: 12651869, 14729848, 19620612). In at least one individual the data is consistent with being in trans (on the opposite chromosome) from a pathogenic variant. For these reasons, this variant has been classified as Pathogenic. Studies have shown that this variant alters RAPSN gene expression (PMID: 12651869). ClinVar contains an entry for this variant (Variation ID: 264677). This variant is also known as -27C>G.

GeneReviews
No classification provided. Condition: Congenital myasthenic syndrome. Review status: no classification provided. Collection method: literature only. Allele origin: germline. Affected: yes. Not counted in ClinVar's aggregate classification.

Literature cited by the submitters: PubMed 19620612 (cited by Women's Health and Genetics/Laboratory Corporation of America, LabCorp and Labcorp Genetics (formerly Invitae), Labcorp); PubMed 12651869 (cited by 3 submitters); PubMed 14729848 (cited by Labcorp Genetics (formerly Invitae), Labcorp); NCBI Bookshelf NBK1168 (cited by GeneReviews).

NM_005055.5(RAPSN):c.-199C>G

Gene: RAPSN (receptor associated protein of the synapse; minus strand). Cytogenetic location: 11p11.2.
Variant type: single nucleotide variant.
Coding change: c.-199C>G on transcript NM_005055.5 (MANE Select); 199 bases upstream of the start codon, C replaced by G.
Genome position (GRCh38, 1-based): chr11:47,449,163, G>C on the plus strand (C>G on the coding strand, the complement: RAPSN is on the minus strand). VCF-style: chr11-47449163-G-C. GRCh37 (hg19) VCF-style: chr11-47470715-G-C.
Other names: -27C>G.
Identifiers: ClinVar variation 264677 (VCV000264677.11), dbSNP rs886037842, ClinGen allele CA10587996.
Genomic context (GRCh38, chr11:47,449,163, plus strand): 5'-GGCCTGGATGGAGAGCAGGCGCCACCCTGGGAACAAAGCTGGTTCAGCCCGTCTGCAGCT[G>C]TCGCTGCCAGTTGGGGCCACATGGCCTCTGAGGAATGTCAGCAGCAAGGTCACGTGGGCC-3'